The following is an entry in ClinVar:

ClinVar aggregate classification (germline): Pathogenic (1 of 4 stars; one submission).

Conditions:
Leber congenital amaurosis 6 (LCA6). Identifiers: Orphanet 65, MedGen C1854260, MONDO:0013446, OMIM 613826.
Cone-rod dystrophy 13 (CORD13). Identifiers: Orphanet 1872, MedGen C2750720, MONDO:0011987, OMIM 608194.

Submission:

Labcorp Genetics (formerly Invitae), Labcorp
Classification: Pathogenic for Leber congenital amaurosis 6; Cone-rod dystrophy 13. Last evaluated: 2022-10-05. Review status: criteria provided, single submitter. Criteria: Invitae Variant Classification Sherloc (09022015). Collection method: clinical testing. Allele origin: germline.
Comment: For these reasons, this variant has been classified as Pathogenic. This sequence change creates a premature translational stop signal (p.Glu1155*) in the RPGRIP1 gene. It is expected to result in an absent or disrupted protein product. Loss-of-function variants in RPGRIP1 are known to be pathogenic (PMID: 11528500, 23105016). This variant is not present in population databases (gnomAD no frequency). This variant has not been reported in the literature in individuals affected with RPGRIP1-related conditions. Algorithms developed to predict the effect of sequence changes on RNA splicing suggest that this variant may disrupt the consensus splice site.

Literature cited by the submitters: PubMed 11528500; PubMed 23105016.

NM_020366.4(RPGRIP1):c.3463G>T (p.Glu1155Ter)

Gene: RPGRIP1 (RPGR interacting protein 1; plus strand). Cytogenetic location: 14q11.2.
Variant type: single nucleotide variant.
Coding change: c.3463G>T on transcript NM_020366.4 (MANE Select); coding-DNA position 3463, G replaced by T.
Protein change: p.Glu1155Ter; replaces glutamic acid 1155 with a stop codon.
Molecular consequence: nonsense.
Genome position (GRCh38, 1-based): chr14:21,343,159, G>T. VCF-style: chr14-21343159-G-T. GRCh37 (hg19) VCF-style: chr14-21811318-G-T.
Other names: c.1441G>T, p.Glu481Ter (NM_001377523.1, NM_001377950.1); c.2389G>T, p.Glu797Ter (NM_001377948.1); c.1549G>T, p.Glu517Ter (NM_001377949.1); c.946G>T, p.Glu316Ter (NM_001377951.1); short protein forms E1155*, E316*, E517*, E481*, E797*.
Identifiers: ClinVar variation 2034155 (VCV002034155.4), dbSNP rs2502950630, ClinGen allele CA388857168.